The following is an entry in ClinVar:

ClinVar aggregate classification (germline): Pathogenic (1 of 4 stars; one submission).

Submission:

CeGaT Center for Human Genetics Tuebingen
Classification: Pathogenic. Last evaluated: 2023-08-01. Review status: criteria provided, single submitter. Criteria: CeGaT Center For Human Genetics Tuebingen Variant Classification Criteria Version 2. Collection method: clinical testing. Allele origin: germline. Affected: yes. Observed: 1 variant allele.
Comment: F5: PVS1, PM2

NM_000130.5(F5):c.4647dup (p.Tyr1550fs)

Gene: F5 (coagulation factor V; minus strand). Cytogenetic location: 1q24.2.
Variant type: Duplication.
Coding change: c.4647dup on transcript NM_000130.5 (MANE Select); coding-DNA position 4647, one base duplicated (C; older notation c.4647dupC).
Protein change: p.Tyr1550fs; shifts the reading frame from tyrosine 1550.
Molecular consequence: frameshift variant.
Genome position (GRCh38, 1-based): chr1:169,540,443, G duplicated on the plus strand (C on the coding strand, the reverse complement: F5 is on the minus strand); the first of 4 consecutive G bases (chr1:169,540,443-169,540,446); duplicating any one gives the same sequence. VCF-style (leftmost placement, unchanged base first): chr1-169540442-A-AG. GRCh37 (hg19) VCF-style: chr1-169509680-A-AG.
Other names: short protein forms Y1550fs.
Identifiers: ClinVar variation 2578588 (VCV002578588.25), dbSNP rs2526387234, ClinGen allele CA2580617865.